The following is an entry in ClinVar:

ClinVar aggregate classification (germline): Uncertain significance (1 of 4 stars; one submission).

Conditions:
Inborn genetic diseases. Identifiers: MedGen C0950123, MeSH D030342.

gnomAD v4.1: 1 of 1,613,982 alleles (0.000062%); highest among the groups gnomAD compares: Non-Finnish European, 0.000085%; no homozygotes.

Submission:

Ambry Genetics
Classification: Uncertain significance for Inborn genetic diseases. Last evaluated: 2026-07-20. Review status: criteria provided, single submitter. Criteria: Ambry Variant Classification Scheme 2023. Collection method: clinical testing. Allele origin: germline.
Comment: The p.S175G variant (also known as c.523A>G) is located in coding exon 6 of the FANCA gene. The serine at codon 175 is replaced by glycine, an amino acid with similar properties. This change occurs in the first base pair of coding exon 6. This amino acid position is conserved. In addition, this alteration is predicted to be tolerated by in silico analysis. Based on the available evidence, the clinical significance of this variant remains unclear.

NM_000135.4(FANCA):c.523A>G (p.Ser175Gly)

Gene: FANCA (FA complementation group A; minus strand). Cytogenetic location: 16q24.3.
Variant type: single nucleotide variant.
Coding change: c.523A>G on transcript NM_000135.4 (MANE Select); coding-DNA position 523, A replaced by G.
Protein change: p.Ser175Gly; replaces serine 175 with glycine.
Molecular consequence: missense variant.
Genome position (GRCh38, 1-based): chr16:89,808,367, T>C on the plus strand (A>G on the coding strand, the complement: FANCA is on the minus strand). VCF-style: chr16-89808367-T-C. GRCh37 (hg19) VCF-style: chr16-89874775-T-C.
Other names: c.523A>G, p.Ser175Gly (NM_001018112.3, NM_001286167.3); c.427A>G, p.Ser143Gly (NM_001351830.2); short protein forms S175G, S143G.
Identifiers: ClinVar variation 5036368 (VCV005036368.1).